The following is an entry in ClinVar:

NM_000503.6(EYA1):c.1140+1G>A

Gene: EYA1 (EYA transcriptional coactivator and phosphatase 1; minus strand). Cytogenetic location: 8q13.3.
Variant type: single nucleotide variant.
Coding change: c.1140+1G>A on transcript NM_000503.6 (MANE Select); the canonical splice donor site of the intron after coding-DNA position 1140, G replaced by A.
Molecular consequence: splice donor variant. On other transcripts: intron variant (2).
Genome position (GRCh38, 1-based): chr8:71,244,602, C>T on the plus strand (G>A on the coding strand, the complement: EYA1 is on the minus strand). VCF-style: chr8-71244602-C-T. GRCh37 (hg19) VCF-style: chr8-72156837-C-T.
Other names: c.1119+25138G>A (NM_001370336.1); c.1227+1G>A (NM_001370333.1); c.1140+1G>A (NM_001370335.1, NM_001370334.1, NM_172058.4); c.1122+25138G>A (NM_172059.5); c.1041+1G>A (NM_001411797.1, NM_172060.4); c.774+1G>A (NM_001288575.2); c.1122+1G>A (NM_001288574.2).
Identifiers: ClinVar variation 1202645 (VCV001202645.1), dbSNP rs1812855196, ClinGen allele CA371467511.

ClinVar aggregate classification (germline): Pathogenic (1 of 4 stars; one submission).

Conditions:
Branchiootic syndrome 1 (BOS1). Also called: BO SYNDROME 1; BRANCHIOOTIC DYSPLASIA. Identifiers: MedGen C1865143, MONDO:0011258, OMIM 602588.

Submission:

Precision Medicine Center, Zhengzhou University
Classification: Pathogenic for Branchiootic syndrome 1. Review status: criteria provided, single submitter. Criteria: ACMG Guidelines, 2015. Collection method: research. Allele origin: germline. Affected: yes.
Comment: PVS1, PM2, PP3, PP4